The following is an entry in ClinVar:

NM_145207.3(AFG2A):c.1563del (p.Ile521fs)

Gene: AFG2A (AAA ATPase AFG2A; plus strand). Cytogenetic location: 4q28.1.
Variant type: Deletion.
Coding change: c.1563del on transcript NM_145207.3 (MANE Select); coding-DNA position 1563, one base deleted (T; older notation c.1563delT).
Protein change: p.Ile521fs; shifts the reading frame from isoleucine 521.
Molecular consequence: frameshift variant.
Genome position (GRCh38, 1-based): chr4:122,947,337, T deleted; the last of 2 consecutive T bases (chr4:122,947,336-122,947,337); deleting either gives the same sequence. VCF-style (leftmost placement, unchanged base first): chr4-122947335-AT-A. GRCh37 (hg19) VCF-style: chr4-123868490-AT-A.
Other names: c.1560del, p.Ile520fs (NM_001317799.2, NM_001345856.2); short protein forms I520fs, I521fs.
Identifiers: ClinVar variation 3759537 (VCV003759537.2).

ClinVar aggregate classification (germline): Pathogenic (1 of 4 stars; one submission).

Conditions:
Microcephaly-intellectual disability-sensorineural hearing loss-epilepsy-abnormal muscle tone syndrome (NEDHSB). Also called: NEURODEVELOPMENTAL DISORDER WITH HEARING LOSS, SEIZURES, AND BRAIN ABNORMALITIES. Identifiers: Orphanet 457351, MedGen C4225276, MONDO:0014698, OMIM 616577.

Submission:

Labcorp Genetics (formerly Invitae), Labcorp
Classification: Pathogenic for Microcephaly-intellectual disability-sensorineural hearing loss-epilepsy-abnormal muscle tone syndrome. Last evaluated: 2023-09-19. Review status: criteria provided, single submitter. Criteria: Invitae Variant Classification Sherloc (09022015). Collection method: clinical testing. Allele origin: germline.
Comment: This sequence change creates a premature translational stop signal (p.Ile521Metfs*10) in the SPATA5 gene. It is expected to result in an absent or disrupted protein product. Loss-of-function variants in SPATA5 are known to be pathogenic (PMID: 26299366). This variant is not present in population databases (gnomAD no frequency). For these reasons, this variant has been classified as Pathogenic. This variant has not been reported in the literature in individuals affected with SPATA5-related conditions.

Literature cited by the submitters: PubMed 26299366.